The following is an entry in ClinVar:

ClinVar aggregate classification (germline): Uncertain significance. Review status: criteria provided, multiple submitters, no conflicts (2 of 4 stars). 2 submissions from 2 submitters: Uncertain significance (2). Last evaluated 2023-07-17.

Conditions:
Arterial tortuosity syndrome (ATORS). Identifiers: Orphanet 3342, MedGen C1859726, MONDO:0008818, OMIM 208050.

Allele frequency attached by ClinVar (database versions not stated): gnomAD 0.00001; gnomAD exomes 0.00001; TOPMed 0.00003.
gnomAD v4.1: 25 of 1,614,020 alleles (0.0015%); highest among the groups gnomAD compares: Admixed American, 0.005%; no homozygotes.

Submissions (2):

Victorian Clinical Genetics Services, Murdoch Childrens Research Institute
Classification: Uncertain significance for Arterial tortuosity syndrome. Last evaluated: 2023-07-17. Review status: criteria provided, single submitter. Criteria: ACMG Guidelines, 2015. Collection method: clinical testing. Allele origin: germline. Inheritance: Autosomal recessive inheritance.
Comment: Based on the classification scheme VCGS_Germline_v1.3.4, this variant is classified as VUS-3C. Following criteria are met: 0102 - Loss of function is a known mechanism of disease in this gene and is associated with arterial tortuosity syndrome (MIM#208050). (I) 0106 - This gene is associated with autosomal recessive disease. (I) 0115 - Variants in this gene are known to have variable expressivity. Both inter and intra familial variability has been reported (GeneReviews, PMID: 30425910). (I) 0200 - Variant is predicted to result in a missense amino acid change from arginine to glutamine. (I) 0251 - This variant is heterozygous. (I) 0304 - Variant is present in gnomAD <0.01 for a recessive condition (v2: 3 heterozygotes, 0 homozygotes). (SP) 0309 - Multiple alternative amino acid changes at the same position have been observed in gnomAD (highest allele count v3: 28 heterozygotes, 0 homozygotes). (I) 0503 - Missense variant consistently predicted to be tolerated by multiple in silico tools or not conserved in placental mammals with a minor amino acid change. (SB) 0600 - Variant is located in the annotated glucose transporter domain (DECIPHER). (I) 0705 - No comparable missense variants have previous evidence for pathogenicity. (I) 0807 - This variant has no previous evidence of pathogenicity. (I) 0905 - No published segregation evidence has been identified for this variant. (I) 1007 - No published functional evidence has been identified for this variant. (I) 1208 - Inheritance information for this variant is not currently available in this individual. (I) Legend: (SP) - Supporting pathogenic, (I) - Information, (SB) - Supporting benign

Labcorp Genetics (formerly Invitae), Labcorp
Classification: Uncertain significance for Arterial tortuosity syndrome. Last evaluated: 2021-10-23. Review status: criteria provided, single submitter. Criteria: Invitae Variant Classification Sherloc (09022015). Collection method: clinical testing. Allele origin: germline.
Comment: This sequence change replaces arginine with glutamine at codon 130 of the SLC2A10 protein (p.Arg130Gln). The arginine residue is moderately conserved and there is a small physicochemical difference between arginine and glutamine. This variant is not present in population databases (ExAC no frequency). This variant has not been reported in the literature in individuals affected with SLC2A10-related conditions. Advanced modeling of protein sequence and biophysical properties (such as structural, functional, and spatial information, amino acid conservation, physicochemical variation, residue mobility, and thermodynamic stability) performed at Invitae indicates that this missense variant is not expected to disrupt SLC2A10 protein function. In summary, the available evidence is currently insufficient to determine the role of this variant in disease. Therefore, it has been classified as a Variant of Uncertain Significance.

Literature cited by the submitters: PubMed 30425910 (cited by Victorian Clinical Genetics Services, Murdoch Childrens Research Institute).

NM_030777.4(SLC2A10):c.389G>A (p.Arg130Gln)

Gene: SLC2A10 (solute carrier family 2 member 10; plus strand). Cytogenetic location: 20q13.12.
Variant type: single nucleotide variant.
Coding change: c.389G>A on transcript NM_030777.4 (MANE Select); coding-DNA position 389, G replaced by A.
Protein change: p.Arg130Gln; replaces arginine 130 with glutamine.
Molecular consequence: missense variant.
Genome position (GRCh38, 1-based): chr20:46,725,425, G>A. VCF-style: chr20-46725425-G-A. GRCh37 (hg19) VCF-style: chr20-45354064-G-A.
Other names: c.389G>A (NM_030777.3); short protein forms R130Q.
Identifiers: ClinVar variation 1467426 (VCV001467426.4), dbSNP rs1438650724, ClinGen allele CA409266915.